The following is an entry in ClinVar:

ClinVar aggregate classification (germline): Likely pathogenic (1 of 4 stars; one submission).

Conditions:
Charlevoix-Saguenay spastic ataxia (SACS). Also called: AUTOSOMAL RECESSIVE SPASTIC ATAXIA OF CHARLEVOIX-SAGUENAY; Spastic ataxia of Charlevoix-Saguenay; SPASTIC ATAXIA 6, AUTOSOMAL RECESSIVE. Identifiers: Orphanet 98, MedGen C1849140, MONDO:0010041, OMIM 270550.

Submission:

Natera, Inc.
Classification: Likely pathogenic for Charlevoix-Saguenay type spastic ataxia. Last evaluated: 2024-04-14. Review status: criteria provided, single submitter. Criteria: Natera Variant Classification Schema (03/2026). Collection method: clinical testing. Allele origin: germline.
Comment: The c.9579T>G variant in SACS is a nonsense variant predicted to introduce a stop codon at amino acid 3193. This variant is expected to result in nonsense mediated decay, truncation, or a dysfunctional protein product. This variant is rare in the general population with a frequency below the threshold expected for the associated phenotype(s). Given the available evidence, this variant is classified as Likely Pathogenic.

NM_014363.6(SACS):c.9579T>G (p.Tyr3193Ter)

Gene: SACS (sacsin molecular chaperone; minus strand). Cytogenetic location: 13q12.12.
Variant type: single nucleotide variant.
Coding change: c.9579T>G on transcript NM_014363.6 (MANE Select); coding-DNA position 9579, T replaced by G.
Protein change: p.Tyr3193Ter; replaces tyrosine 3193 with a stop codon.
Molecular consequence: nonsense.
Genome position (GRCh38, 1-based): chr13:23,334,297, A>C on the plus strand (T>G on the coding strand, the complement: SACS is on the minus strand). VCF-style: chr13-23334297-A-C. GRCh37 (hg19) VCF-style: chr13-23908436-A-C.
Other names: c.9138T>G, p.Tyr3046Ter (NM_001278055.2); c.9606T>G, p.Tyr3202Ter (NM_001437336.1); short protein forms Y3046*, Y3193*, Y3202*.
Identifiers: ClinVar variation 4815719 (VCV004815719.1).